The following is an entry in ClinVar:

ClinVar aggregate classification (germline): Conflicting classifications of pathogenicity. Review status: criteria provided, conflicting classifications (1 of 4 stars). 3 submissions from 3 submitters: Uncertain significance (2); Likely benign (1). Last evaluated 2025-08-18.

Conditions:
Hereditary cancer-predisposing syndrome. Also called: Neoplastic Syndromes, Hereditary; Hereditary Cancer Syndrome; Tumor predisposition; Hereditary neoplastic syndrome. Identifiers: Orphanet 140162, MedGen C0027672, MeSH D009386, MONDO:0015356.
POLE-related disorder. Also called: POLE-related disorders; POLE-related condition.

Submissions (3):

PreventionGenetics, part of Exact Sciences
Classification: Uncertain significance for POLE-related condition. Last evaluated: 2025-08-18. Review status: criteria provided, single submitter. Criteria: ACMG Guidelines, 2015. Collection method: clinical testing. Allele origin: germline.
Comment: The POLE c.6693C>A variant is predicted to result in the amino acid substitution p.Ser2231Arg. To our knowledge, this variant has not been reported in the literature or in a large population database (gnomAD), indicating this variant is rare. This variant has conflicting interpretations in ClinVar ranging from uncertain to likely benign (Variation ID: 948397). At this time, the clinical significance of this variant is uncertain due to the absence of conclusive functional and genetic evidence.

Ambry Genetics
Classification: Likely benign for Hereditary cancer-predisposing syndrome. Last evaluated: 2025-04-25. Review status: criteria provided, single submitter. Criteria: Ambry Variant Classification Scheme 2023. Collection method: clinical testing. Allele origin: germline.

Labcorp Genetics (formerly Invitae), Labcorp
Classification: Uncertain significance. Last evaluated: 2023-08-08. Review status: criteria provided, single submitter. Criteria: Invitae Variant Classification Sherloc (09022015). Collection method: clinical testing. Allele origin: germline.
Comment: In summary, the available evidence is currently insufficient to determine the role of this variant in disease. Therefore, it has been classified as a Variant of Uncertain Significance. Advanced modeling of protein sequence and biophysical properties (such as structural, functional, and spatial information, amino acid conservation, physicochemical variation, residue mobility, and thermodynamic stability) performed at Invitae indicates that this missense variant is not expected to disrupt POLE protein function. ClinVar contains an entry for this variant (Variation ID: 948397). This variant has not been reported in the literature in individuals affected with POLE-related conditions. This variant is not present in population databases (gnomAD no frequency). This sequence change replaces serine, which is neutral and polar, with arginine, which is basic and polar, at codon 2231 of the POLE protein (p.Ser2231Arg).

NM_006231.4(POLE):c.6693C>A (p.Ser2231Arg)

Gene: POLE (DNA polymerase epsilon, catalytic subunit; minus strand). Cytogenetic location: 12q24.33.
Variant type: single nucleotide variant.
Coding change: c.6693C>A on transcript NM_006231.4 (MANE Select); coding-DNA position 6693, C replaced by A.
Protein change: p.Ser2231Arg; replaces serine 2231 with arginine.
Molecular consequence: missense variant.
Genome position (GRCh38, 1-based): chr12:132,624,959, G>T on the plus strand (C>A on the coding strand, the complement: POLE is on the minus strand). VCF-style: chr12-132624959-G-T. GRCh37 (hg19) VCF-style: chr12-133201545-G-T.
Other names: c.6693C>A (NM_006231.2); short protein forms S2231R.
Identifiers: ClinVar variation 948397 (VCV000948397.9), dbSNP rs1483311551, ClinGen allele CA387366171.